The following is an entry in ClinVar:

ClinVar aggregate classification (germline): Uncertain significance. Review status: criteria provided, multiple submitters, no conflicts (2 of 4 stars). 4 submissions from 4 submitters: Uncertain significance (3). 1 of the submissions does not count toward it. Last evaluated 2026-01-13.

Conditions:
Inborn genetic diseases. Identifiers: MedGen C0950123, MeSH D030342.
C6-related disorder. Also called: C6-related condition.

Allele frequency attached by ClinVar (database versions not stated): 1000 Genomes Project 30x 0.00016; 1000 Genomes Project 0.00020; gnomAD exomes 0.00068 and 0.00107; gnomAD 0.00074 and 0.00075; TOPMed 0.00078; ESP Exome Variant Server 0.00085; ExAC 0.00086.
gnomAD v4.1: 1,664 of 1,613,944 alleles (0.1%); highest among the groups gnomAD compares: Middle Eastern, 0.18%; 1 homozygote.

Submissions (4):

Labcorp Genetics (formerly Invitae), Labcorp
Classification: Uncertain significance. Last evaluated: 2026-01-13. Review status: criteria provided, single submitter. Criteria: Invitae Variant Classification Sherloc (09022015). Collection method: clinical testing. Allele origin: germline.
Comment: This sequence change replaces isoleucine, which is neutral and non-polar, with threonine, which is neutral and polar, at codon 217 of the C6 protein (p.Ile217Thr). This variant is present in population databases (rs147018902, gnomAD 0.1%), and has an allele count higher than expected for a pathogenic variant. This variant has not been reported in the literature in individuals affected with C6-related conditions. ClinVar contains an entry for this variant (Variation ID: 1019553). An algorithm developed to predict the effect of missense changes on protein structure and function outputs the following: PolyPhen-2: "Benign". The threonine amino acid residue is found in multiple mammalian species, which suggests that this missense change does not adversely affect protein function. In summary, the available evidence is currently insufficient to determine the role of this variant in disease. Therefore, it has been classified as a Variant of Uncertain Significance.

Ambry Genetics
Classification: Uncertain significance for Inborn genetic diseases. Last evaluated: 2025-08-31. Review status: criteria provided, single submitter. Criteria: Ambry Variant Classification Scheme 2023. Collection method: clinical testing. Allele origin: germline.

Breakthrough Genomics
Classification: Uncertain significance. Review status: criteria provided, single submitter. Criteria: ACMG Guidelines, 2015. Collection method: not provided. Allele origin: germline. Inheritance: Autosomal recessive inheritance. Affected: yes.

PreventionGenetics, part of Exact Sciences
Classification: Uncertain significance for C6-related condition. Last evaluated: 2024-08-19. Review status: no assertion criteria provided. Collection method: clinical testing. Allele origin: germline. Not counted in ClinVar's aggregate classification.
Comment: The C6 c.650T>C variant is predicted to result in the amino acid substitution p.Ile217Thr. To our knowledge, this variant has not been reported in the literature. This variant is reported in 0.13% of alleles in individuals of European (Non-Finnish) descent in gnomAD. This variant could be benign. At this time, the clinical significance of this variant is uncertain due to the absence of conclusive functional and genetic evidence.

NM_000065.5(C6):c.650T>C (p.Ile217Thr)

Gene: C6 (complement C6; minus strand). Cytogenetic location: 5p13.1.
Variant type: single nucleotide variant.
Coding change: c.650T>C on transcript NM_000065.5 (MANE Select); coding-DNA position 650, T replaced by C.
Protein change: p.Ile217Thr; replaces isoleucine 217 with threonine.
Molecular consequence: missense variant.
Genome position (GRCh38, 1-based): chr5:41,186,146, A>G on the plus strand (T>C on the coding strand, the complement: C6 is on the minus strand). VCF-style: chr5-41186146-A-G. GRCh37 (hg19) VCF-style: chr5-41186248-A-G.
Other names: c.650T>C (NM_000065.2, NM_000065.3); c.650T>C, p.Ile217Thr (NM_001115131.4); short protein forms I217T.
Identifiers: ClinVar variation 1019553 (VCV001019553.9), dbSNP rs147018902, ClinGen allele CA3252713.